The following is an entry in ClinVar:

ClinVar aggregate classification (germline): Uncertain significance. Review status: criteria provided, single submitter (1 of 4 stars). 2 submissions from 2 submitters: Uncertain significance (1). 1 of the submissions does not count toward it. Last evaluated 2023-11-30.

Conditions:
Wilson disease (WND). Also called: Wilson's disease. Identifiers: Orphanet 905, MedGen C0019202, MONDO:0010200, OMIM 277900. Disease mechanism: loss of function.

gnomAD v4.1: 1 of 1,614,050 alleles (0.000062%); highest among the groups gnomAD compares: Non-Finnish European, 0.000085%; no homozygotes.

Submissions (2):

All of Us Research Program, National Institutes of Health
Classification: Uncertain significance for Wilson disease. Last evaluated: 2023-11-30. Review status: criteria provided, single submitter. Criteria: ACMG Guidelines, 2015. Collection method: clinical testing. Allele origin: germline. Inheritance: Autosomal recessive inheritance. Observed: 1 variant allele, 1 heterozygote.
Comment: This study involves interpretation of variants in research participants for the purpose of population health screening. Participant phenotype was not available at the time of variant classification. Additional details can be found in publication PMID: 35346344, PMCID: PMC8962531

Counsyl
Classification: Uncertain significance for Wilson disease. Last evaluated: 2018-05-15. Review status: no assertion criteria provided. Collection method: clinical testing. Allele origin: unknown. Not counted in ClinVar's aggregate classification.

Literature cited by the submitters: PubMed 25678388 (cited by Counsyl); PubMed 17949296 (cited by Counsyl).

NM_000053.4(ATP7B):c.2480G>C (p.Arg827Pro)

Gene: ATP7B (ATPase copper transporting beta; minus strand). Cytogenetic location: 13q14.3.
Variant type: single nucleotide variant.
Coding change: c.2480G>C on transcript NM_000053.4 (MANE Select); coding-DNA position 2480, G replaced by C.
Protein change: p.Arg827Pro; replaces arginine 827 with proline.
Molecular consequence: missense variant.
Genome position (GRCh38, 1-based): chr13:51,950,367, C>G on the plus strand (G>C on the coding strand, the complement: ATP7B is on the minus strand). VCF-style: chr13-51950367-C-G. GRCh37 (hg19) VCF-style: chr13-52524503-C-G.
Other names: c.1994G>C, p.Arg665Pro (NM_001005918.3); c.2147G>C, p.Arg716Pro (NM_001243182.2); c.2246G>C, p.Arg749Pro (NM_001330578.2); c.2228G>C, p.Arg743Pro (NM_001330579.2); short protein forms R827P, R665P, R749P, R743P, R716P.
Identifiers: ClinVar variation 558355 (VCV000558355.3), dbSNP rs368589213, ClinGen allele CA388016746.
Genomic context (GRCh38, chr13:51,950,367, plus strand): 5'-TCCAGGACTTTCCCATCCACTGGAAACTTTCCCCCAGGGACCACCTTGACGATATCGCCC[C>G]GCTGCACCAGCTCCATGGGGACTTGCTCCTCCCTGCAACAAACGCCACTTATCACTCACA-3'
Protein context (NP_000044.2, residues 817-837): EEQVPMELVQ[Arg827Pro]GDIVKVVPGG